The following is an entry in ClinVar:

ClinVar aggregate classification (germline): Uncertain significance. Review status: criteria provided, multiple submitters, no conflicts (2 of 4 stars). 2 submissions from 2 submitters: Uncertain significance (2). Last evaluated 2025-11-24.

Conditions:
Early-infantile DEE. Also called: Early infantile epileptic encephalopathy; Early infantile epileptic encephalopathy with suppression bursts; Ohtahara syndrome. Identifiers: Orphanet 1934, MedGen C0393706, MONDO:0800491.
SCN8A-related disorder.

Submissions (2):

PreventionGenetics, part of Exact Sciences
Classification: Uncertain significance for SCN8A-related condition. Last evaluated: 2025-11-24. Review status: criteria provided, single submitter. Criteria: ACMG Guidelines, 2015. Collection method: clinical testing. Allele origin: germline.
Comment: The SCN8A c.3619A>G variant is predicted to result in the amino acid substitution p.Met1207Val. To our knowledge, this variant has not been reported in the literature or in a large population database (gnomAD), indicating this variant is rare. At this time, the clinical significance of this variant is uncertain due to the absence of conclusive functional and genetic evidence.

Labcorp Genetics (formerly Invitae), Labcorp
Classification: Uncertain significance for Early-infantile DEE. Last evaluated: 2025-07-13. Review status: criteria provided, single submitter. Criteria: Invitae Variant Classification Sherloc (09022015). Collection method: clinical testing. Allele origin: germline.
Comment: This sequence change replaces methionine, which is neutral and non-polar, with valine, which is neutral and non-polar, at codon 1207 of the SCN8A protein (p.Met1207Val). This variant is not present in population databases (gnomAD no frequency). This variant has not been reported in the literature in individuals affected with SCN8A-related conditions. Invitae Evidence Modeling of protein sequence and biophysical properties (such as structural, functional, and spatial information, amino acid conservation, physicochemical variation, residue mobility, and thermodynamic stability) has been performed for this missense variant. However, the output from this modeling did not meet the statistical confidence thresholds required to predict the impact of this variant on SCN8A protein function. In summary, the available evidence is currently insufficient to determine the role of this variant in disease. Therefore, it has been classified as a Variant of Uncertain Significance.

NM_001330260.2(SCN8A):c.3619A>G (p.Met1207Val)

Gene: SCN8A (sodium voltage-gated channel alpha subunit 8; plus strand). Cytogenetic location: 12q13.13.
Variant type: single nucleotide variant.
Coding change: c.3619A>G on transcript NM_001330260.2 (MANE Select); coding-DNA position 3619, A replaced by G.
Protein change: p.Met1207Val; replaces methionine 1207 with valine.
Molecular consequence: missense variant.
Genome position (GRCh38, 1-based): chr12:51,770,657, A>G. VCF-style: chr12-51770657-A-G. GRCh37 (hg19) VCF-style: chr12-52164441-A-G.
Other names: c.3619A>G, p.Met1207Val (NM_014191.4, NM_001177984.3, NM_001369788.1); c.3619A>G (NM_014191.3); short protein forms M1207V.
Identifiers: ClinVar variation 4737016 (VCV004737016.2).